The following is an entry in ClinVar:

ClinVar aggregate classification (germline): Uncertain significance. Review status: criteria provided, multiple submitters, no conflicts (2 of 4 stars). 3 submissions from 3 submitters: Uncertain significance (3). Last evaluated 2024-01-25.

Conditions:
Inborn genetic diseases. Identifiers: MedGen C0950123, MeSH D030342.

Allele frequency attached by ClinVar (database versions not stated): ExAC 0.00008; gnomAD exomes 0.00008.
gnomAD v4.1: 104 of 1,613,314 alleles (0.0064%); highest among the groups gnomAD compares: South Asian, 0.041%; no homozygotes.

Submissions (3):

Labcorp Genetics (formerly Invitae), Labcorp
Classification: Uncertain significance. Last evaluated: 2024-01-25. Review status: criteria provided, single submitter. Criteria: Invitae Variant Classification Sherloc (09022015). Collection method: clinical testing. Allele origin: germline.
Comment: This sequence change replaces arginine, which is basic and polar, with histidine, which is basic and polar, at codon 66 of the PEPD protein (p.Arg66His). This variant is present in population databases (rs753859371, gnomAD 0.03%). This variant has not been reported in the literature in individuals affected with PEPD-related conditions. ClinVar contains an entry for this variant (Variation ID: 1358573). Advanced modeling of protein sequence and biophysical properties (such as structural, functional, and spatial information, amino acid conservation, physicochemical variation, residue mobility, and thermodynamic stability) has been performed at Invitae for this missense variant, however the output from this modeling did not meet the statistical confidence thresholds required to predict the impact of this variant on PEPD protein function. In summary, the available evidence is currently insufficient to determine the role of this variant in disease. Therefore, it has been classified as a Variant of Uncertain Significance.

GeneDx
Classification: Uncertain significance. Last evaluated: 2023-04-16. Review status: criteria provided, single submitter. Criteria: GeneDx Variant Classification Process June 2021. Collection method: clinical testing. Allele origin: germline. Affected: yes.
Comment: In silico analysis supports that this missense variant has a deleterious effect on protein structure/function; Has not been previously published as pathogenic or benign to our knowledge

Ambry Genetics
Classification: Uncertain significance for Inborn genetic diseases. Last evaluated: 2021-10-05. Review status: criteria provided, single submitter. Criteria: Ambry Variant Classification Scheme 2023. Collection method: clinical testing. Allele origin: germline.

NM_000285.4(PEPD):c.197G>A (p.Arg66His)

Gene: PEPD (peptidase D; minus strand). Cytogenetic location: 19q13.11.
Variant type: single nucleotide variant.
Coding change: c.197G>A on transcript NM_000285.4 (MANE Select); coding-DNA position 197, G replaced by A.
Protein change: p.Arg66His; replaces arginine 66 with histidine.
Molecular consequence: missense variant.
Genome position (GRCh38, 1-based): chr19:33,512,597, C>T on the plus strand (G>A on the coding strand, the complement: PEPD is on the minus strand). VCF-style: chr19-33512597-C-T. GRCh37 (hg19) VCF-style: chr19-34003503-C-T.
Other names: c.197G>A, p.Arg66His (NM_001166056.2, NM_001166057.2); c.197G>A (NM_000285.3); short protein forms R66H.
Identifiers: ClinVar variation 1358573 (VCV001358573.5), dbSNP rs753859371, ClinGen allele CA9364469.